The following is an entry in ClinVar:

ClinVar aggregate classification (germline): Pathogenic (0 of 4 stars; one submission).

Submission:

Quest Diagnostics Nichols Institute San Juan Capistrano
Classification: Pathogenic. Last evaluated: 2021-02-01. Review status: no assertion criteria provided. Collection method: clinical testing. Allele origin: germline.
Comment: This 8p23.3 terminal deletion involves multiple genes and is expected to cause mild and nonspecific phenotype including mildly dysmorphic features, developmental delay, and speech delay. (Shi et al. Mol Med Rep. 2017 Nov;16(5):6837-6845. PMID: 28901431; Burnside et al. Am J Med Genet A. 2013 Apr;161A(4):822-8. PMID: 23495222; Digilio et al, Am J Med Genet. 1998 Feb 17;75(5):534-6) PMID: 9489800). Of note, this deletion interval does not involve the GATA4 gene (OMIM 600576). Additionally, there are several studies evaluating DLGAP2 for associations with several different neurodevelopmental disorders, though, causality is not yet established (Gazzellone et al. J Neurodev Disord. 2016 Oct 18;8:36. PMID: 27777633; Wei-Hsien et al. Mol Autism. 2013; 4: 26. PMID: PMID: 23915500; Li et al. PLoS One. 2014 Jan 8;9(1):e85373. PMID: 24416398).

GRCh37/hg19 8p23.3(chr8:158048-2081207)x1

Genes: ARHGEF10 (Rho guanine nucleotide exchange factor 10; plus strand), CLN8 (CLN8 transmembrane ER and ERGIC protein; plus strand), DLGAP2 (DLG associated protein 2; plus strand), ERICH1 (glutamate rich 1; minus strand), FBXO25 (F-box protein 25; plus strand) and 4 more. Cytogenetic location: 8p23.3.
Variant type: copy number loss.
Change: copy number 1 (one copy instead of two) of chr8:158,048-2,081,207 (1.92 Mb, GRCh37 coordinates, 1-based), cytogenetic band 8p23.3.
Identifiers: ClinVar variation 980867 (VCV000980867.2).